The following is an entry in ClinVar:

ClinVar aggregate classification (germline): Pathogenic (1 of 4 stars; one submission).

Conditions:
Familial hemiplegic migraine. Identifiers: MedGen C0338484, MONDO:0000700.

Submission:

Labcorp Genetics (formerly Invitae), Labcorp
Classification: Pathogenic for Familial hemiplegic migraine. Last evaluated: 2022-07-28. Review status: criteria provided, single submitter. Criteria: Invitae Variant Classification Sherloc (09022015). Collection method: clinical testing. Allele origin: germline.
Comment: This sequence change replaces proline, which is neutral and non-polar, with alanine, which is neutral and non-polar, at codon 331 of the ATP1A2 protein (p.Pro331Ala). This variant is not present in population databases (gnomAD no frequency). This missense change has been observed in individual(s) with ATP1A2-related conditions (Invitae). In at least one individual the variant was observed to be de novo. Advanced modeling of protein sequence and biophysical properties (such as structural, functional, and spatial information, amino acid conservation, physicochemical variation, residue mobility, and thermodynamic stability) performed at Invitae indicates that this missense variant is expected to disrupt ATP1A2 protein function. For these reasons, this variant has been classified as Pathogenic.

NM_000702.4(ATP1A2):c.991C>G (p.Pro331Ala)

Gene: ATP1A2 (ATPase Na+/K+ transporting subunit alpha 2; plus strand). Cytogenetic location: 1q23.2.
Variant type: single nucleotide variant.
Coding change: c.991C>G on transcript NM_000702.4 (MANE Select); coding-DNA position 991, C replaced by G.
Protein change: p.Pro331Ala; replaces proline 331 with alanine.
Molecular consequence: missense variant.
Genome position (GRCh38, 1-based): chr1:160,127,794, C>G. VCF-style: chr1-160127794-C-G. GRCh37 (hg19) VCF-style: chr1-160097584-C-G.
Other names: short protein forms P331A.
Identifiers: ClinVar variation 2009052 (VCV002009052.4), dbSNP rs2524865640, ClinGen allele CA343238762.